The following is an entry in ClinVar:

ClinVar aggregate classification (germline): Conflicting classifications of pathogenicity. Review status: criteria provided, conflicting classifications (1 of 4 stars). 3 submissions from 3 submitters: Uncertain significance (1); Likely benign (1). 1 of the submissions does not count toward it. Last evaluated 2025-11-16.

Conditions:
Inborn genetic diseases. Identifiers: MedGen C0950123, MeSH D030342.
Developmental and epileptic encephalopathy, 2 (DEE2). Also called: INFANTILE SPASM SYNDROME, X-LINKED 2; CDKL5 deficiency disorder. Identifiers: Orphanet 1934, Orphanet 3451, Orphanet 505652, MedGen C4750718, MONDO:0010396, OMIM 300672.
Angelman syndrome-like. Identifiers: MedGen CN128785.
CDKL5-related disorder.

Allele frequency attached by ClinVar (database versions not stated): gnomAD exomes 0.00001; TOPMed 0.00002; gnomAD 0.00001.
gnomAD v4.1: 10 of 1,209,905 alleles (0.00083%); highest among the groups gnomAD compares: Non-Finnish European, 0.00078%; no homozygotes.

Submissions (4):

Labcorp Genetics (formerly Invitae), Labcorp
Classification: Likely benign for Developmental and epileptic encephalopathy, 2; Angelman syndrome-like. Last evaluated: 2025-11-16. Review status: criteria provided, single submitter. Criteria: Invitae Variant Classification Sherloc (09022015). Collection method: clinical testing. Allele origin: germline.

Ambry Genetics
Classification: Uncertain significance for Inborn genetic diseases. Last evaluated: 2025-01-10. Review status: criteria provided, single submitter. Criteria: Ambry Variant Classification Scheme 2023. Collection method: clinical testing. Allele origin: germline.

PreventionGenetics, part of Exact Sciences
Classification: Uncertain significance for CDKL5-related condition. Last evaluated: 2024-02-26. Review status: no assertion criteria provided. Collection method: clinical testing. Allele origin: germline. Not counted in ClinVar's aggregate classification.
Comment: The CDKL5 c.1636G>A variant is predicted to result in the amino acid substitution p.Gly546Arg. To our knowledge, this variant has not been reported in the literature or in a large population database, indicating this variant is rare. At this time, the clinical significance of this variant is uncertain due to the absence of conclusive functional and genetic evidence.

Dr. Peter K. Rogan Lab, Western University
No classification provided (evidence only). Condition: Nonpapillary renal cell carcinoma. Review status: no classification provided. Collection method: in vitro. Allele origin: not applicable. Functional consequence: retained intron. Not counted in ClinVar's aggregate classification.

Literature cited by the submitters: PubMed 27652284 (cited by Ambry Genetics).

NM_001323289.2(CDKL5):c.1636G>A (p.Gly546Arg)

Gene: CDKL5 (cyclin dependent kinase like 5; plus strand). Cytogenetic location: Xp22.13.
Variant type: single nucleotide variant.
Coding change: c.1636G>A on transcript NM_001323289.2 (MANE Select); coding-DNA position 1636, G replaced by A.
Protein change: p.Gly546Arg; replaces glycine 546 with arginine.
Molecular consequence: missense variant.
Genome position (GRCh38, 1-based): chrX:18,604,560, G>A. VCF-style: chrX-18604560-G-A. GRCh37 (hg19) VCF-style: chrX-18622680-G-A.
Other names: c.1636G>A, p.Gly546Arg (NM_001037343.2, NM_003159.3); short protein forms G546R.
Identifiers: ClinVar variation 156684 (VCV000156684.12), dbSNP rs587783153, ClinGen allele CA294753.
Genomic context (GRCh38, chrX:18,604,560, plus strand): 5'-TCTCCCACCAGCCCAACCCCCACCAGACACAGTGACACGAGAACTTTGCTCAGCCCTTCT[G>A]GAAGAAATAACCGAAATGAGGGAACGCTGGACTCACGTCGAACCACAACCAGACATTCTA-3'
Protein context (NP_001310218.1, residues 536-556): SDTRTLLSPS[Gly546Arg]RNNRNEGTLD